The following is an entry in ClinVar:

ClinVar aggregate classification (germline): Uncertain significance (1 of 4 stars; one submission).

Conditions:
Hereditary cancer-predisposing syndrome. Also called: Neoplastic Syndromes, Hereditary; Tumor predisposition; Hereditary Cancer Syndrome; Hereditary neoplastic syndrome. Identifiers: Orphanet 140162, MedGen C0027672, MeSH D009386, MONDO:0015356.

gnomAD v4.1: 1 of 1,614,200 alleles (0.000062%); highest among the groups gnomAD compares: Non-Finnish European, 0.000085%; no homozygotes.

Submission:

Ambry Genetics
Classification: Uncertain significance for Hereditary cancer-predisposing syndrome. Last evaluated: 2024-06-30. Review status: criteria provided, single submitter. Criteria: Ambry Variant Classification Scheme 2023. Collection method: clinical testing. Allele origin: germline.
Comment: The p.L761Q variant (also known as c.2282T>A), located in coding exon 15 of the PTCH1 gene, results from a T to A substitution at nucleotide position 2282. The leucine at codon 761 is replaced by glutamine, an amino acid with dissimilar properties. This amino acid position is conserved. In addition, this alteration is predicted to be deleterious by in silico analysis. Based on the available evidence, the clinical significance of this variant remains unclear.

NM_000264.5(PTCH1):c.2282T>A (p.Leu761Gln)

Genes: PTCH1 (patched 1; minus strand), LOC100507346 (uncharacterized LOC100507346; plus strand). Cytogenetic location: 9q22.32.
Variant type: single nucleotide variant.
Coding change: c.2282T>A on transcript NM_000264.5 (MANE Select); coding-DNA position 2282, T replaced by A.
Protein change: p.Leu761Gln; replaces leucine 761 with glutamine.
Molecular consequence: missense variant. On other transcripts: non-coding transcript variant (1).
Genome position (GRCh38, 1-based): chr9:95,467,394, A>T on the plus strand (T>A on the coding strand, the complement: PTCH1 is on the minus strand). VCF-style: chr9-95467394-A-T. GRCh37 (hg19) VCF-style: chr9-98229676-A-T.
Other names: c.2084T>A, p.Leu695Gln (NM_001083602.3); c.2279T>A, p.Leu760Gln (NM_001083603.3); c.1829T>A, p.Leu610Gln (NM_001083604.3, NM_001083605.3, NM_001083606.3 and 1 more transcripts); c.2126T>A, p.Leu709Gln (NM_001354918.2); short protein forms L709Q, L760Q, L761Q, L695Q, L610Q.
Identifiers: ClinVar variation 3427232 (VCV003427232.1).